The following is an entry in ClinVar:

NM_014249.4(NR2E3):c.1155dup (p.Ile386fs)

Gene: NR2E3 (nuclear receptor subfamily 2 group E member 3; plus strand). Cytogenetic location: 15q23.
Variant type: Duplication.
Coding change: c.1155dup on transcript NM_014249.4 (MANE Select); coding-DNA position 1155, one base duplicated (C; older notation c.1155dupC).
Protein change: p.Ile386fs; shifts the reading frame from isoleucine 386.
Molecular consequence: frameshift variant.
Genome position (GRCh38, 1-based): chr15:71,817,606, C duplicated. VCF-style (leftmost placement, unchanged base first): chr15-71817605-G-GC. GRCh37 (hg19) VCF-style: chr15-72109946-G-GC.
Other names: short protein forms I386fs.
Identifiers: ClinVar variation 2709776 (VCV002709776.3), dbSNP rs2543260923, ClinGen allele CA2697549209.

ClinVar aggregate classification (germline): Pathogenic (1 of 4 stars; one submission).

Submission:

Labcorp Genetics (formerly Invitae), Labcorp
Classification: Pathogenic. Last evaluated: 2023-07-18. Review status: criteria provided, single submitter. Criteria: Invitae Variant Classification Sherloc (09022015). Collection method: clinical testing. Allele origin: germline.
Comment: For these reasons, this variant has been classified as Pathogenic. This variant disrupts a region of the NR2E3 protein in which other variant(s) (p.Asp406Gly) have been determined to be pathogenic (PMID: 24891813; Invitae). This suggests that this is a clinically significant region of the protein, and that variants that disrupt it are likely to be disease-causing. This variant has not been reported in the literature in individuals affected with NR2E3-related conditions. This variant is not present in population databases (gnomAD no frequency). This sequence change creates a premature translational stop signal (p.Ile386Hisfs*21) in the NR2E3 gene. While this is not anticipated to result in nonsense mediated decay, it is expected to disrupt the last 25 amino acid(s) of the NR2E3 protein.

Literature cited by the submitters: PubMed 24891813.